The following is an entry in ClinVar:

NM_000264.5(PTCH1):c.4133C>T (p.Thr1378Ile)

Gene: PTCH1 (patched 1; minus strand). Cytogenetic location: 9q22.32.
Variant type: single nucleotide variant.
Coding change: c.4133C>T on transcript NM_000264.5 (MANE Select); coding-DNA position 4133, C replaced by T.
Protein change: p.Thr1378Ile; replaces threonine 1378 with isoleucine.
Molecular consequence: missense variant. On other transcripts: non-coding transcript variant (1).
Genome position (GRCh38, 1-based): chr9:95,447,123, G>A on the plus strand (C>T on the coding strand, the complement: PTCH1 is on the minus strand). VCF-style: chr9-95447123-G-A. GRCh37 (hg19) VCF-style: chr9-98209405-G-A.
Other names: c.3935C>T, p.Thr1312Ile (NM_001083602.3); c.4130C>T, p.Thr1377Ile (NM_001083603.3); c.3680C>T, p.Thr1227Ile (NM_001083604.3, NM_001083605.3, NM_001083606.3 and 1 more transcripts); c.3977C>T, p.Thr1326Ile (NM_001354918.2); short protein forms T1227I, T1312I, T1326I, T1377I, T1378I.
Identifiers: ClinVar variation 2632776 (VCV002632776.1), dbSNP rs2136575592, ClinGen allele CA374110251.
Genomic context (GRCh38, chr9:95,447,123, plus strand): 5'-CAGAGTCCCCCTCGGGGGTTCCGCCCAGGCCCAGGGACAGGCGGCGGGTGCACGGCGACA[G>A]TCACGGAGGCAGAAGCCGTCACAGTGGTGATGGGCTGGCAGTAGCCGGGCACGGAGCTGC-3'
Protein context (NP_000255.2, residues 1368-1388): ITTVTASASV[Thr1378Ile]VAVHPPPVPG

ClinVar aggregate classification (germline): Uncertain significance (1 of 4 stars; one submission).

Conditions:
PTCH1-related disorder. Also called: PTCH1-related disorders; PTCH1-related condition.

Submission:

PreventionGenetics, part of Exact Sciences
Classification: Uncertain significance for PTCH1-related condition. Last evaluated: 2023-05-22. Review status: criteria provided, single submitter. Criteria: ACMG Guidelines, 2015. Collection method: clinical testing. Allele origin: germline.
Comment: The PTCH1 c.4133C>T variant is predicted to result in the amino acid substitution p.Thr1378Ile. To our knowledge, this variant has not been reported in the literature or in a large population database, indicating this variant is rare. At this time, the clinical significance of this variant is uncertain due to the absence of conclusive functional and genetic evidence.